The following is an entry in ClinVar:

NM_177438.3(DICER1):c.2522A>C (p.Gln841Pro)

Gene: DICER1 (dicer 1, ribonuclease III; minus strand). Cytogenetic location: 14q32.13.
Variant type: single nucleotide variant.
Coding change: c.2522A>C on transcript NM_177438.3 (MANE Select); coding-DNA position 2522, A replaced by C.
Protein change: p.Gln841Pro; replaces glutamine 841 with proline.
Molecular consequence: missense variant. On other transcripts: non-coding transcript variant (6).
Genome position (GRCh38, 1-based): chr14:95,108,008, T>G on the plus strand (A>C on the coding strand, the complement: DICER1 is on the minus strand). VCF-style: chr14-95108008-T-G. GRCh37 (hg19) VCF-style: chr14-95574345-T-G.
Other names: c.2522A>C, p.Gln841Pro (NM_001195573.1, NM_001271282.3, NM_001291628.2 and 12 more transcripts); c.2240A>C, p.Gln747Pro (NM_001395686.1); c.2117A>C, p.Gln706Pro (NM_001395687.1, NM_001395688.1, NM_001395689.1 and 2 more transcripts); c.1955A>C, p.Gln652Pro (NM_001395691.1); c.839A>C, p.Gln280Pro (NM_001395697.1); short protein forms Q280P, Q747P, Q841P, Q706P, Q652P.
Identifiers: ClinVar variation 3840030 (VCV003840030.1).

ClinVar aggregate classification (germline): Uncertain significance (1 of 4 stars; one submission).

Conditions:
Hereditary cancer-predisposing syndrome. Also called: Hereditary neoplastic syndrome; Neoplastic Syndromes, Hereditary; Tumor predisposition; Hereditary Cancer Syndrome. Identifiers: Orphanet 140162, MedGen C0027672, MeSH D009386, MONDO:0015356.

Submission:

Ambry Genetics
Classification: Uncertain significance for Hereditary cancer-predisposing syndrome. Last evaluated: 2025-02-08. Review status: criteria provided, single submitter. Criteria: Ambry Variant Classification Scheme 2023. Collection method: clinical testing. Allele origin: germline.
Comment: The p.Q841P variant (also known as c.2522A>C), located in coding exon 15 of the DICER1 gene, results from an A to C substitution at nucleotide position 2522. The glutamine at codon 841 is replaced by proline, an amino acid with similar properties. This amino acid position is conserved. In addition, the in silico prediction for this alteration is inconclusive. Based on the available evidence, the clinical significance of this variant remains unclear.